The following is an entry in ClinVar:

ClinVar aggregate classification (germline): Uncertain significance. Review status: criteria provided, multiple submitters, no conflicts (2 of 4 stars). 2 submissions from 2 submitters: Uncertain significance (2). Last evaluated 2024-02-18.

Conditions:
Hereditary cancer-predisposing syndrome. Also called: Neoplastic Syndromes, Hereditary; Tumor predisposition; Hereditary Cancer Syndrome; Hereditary neoplastic syndrome. Identifiers: Orphanet 140162, MedGen C0027672, MeSH D009386, MONDO:0015356.
Ataxia-telangiectasia syndrome (AT). Also called: Ataxia telangiectasia (A-T); ATAXIA-TELANGIECTASIA, COMPLEMENTATION GROUP A; ATAXIA-TELANGIECTASIA, FRESNO VARIANT; Ataxia-telangiectasia; Ataxia-telangiectasia, complementation group E; LOUIS-BAR SYNDROME. Identifiers: Orphanet 100, MedGen C0004135, MONDO:0008840, OMIM 208900.

Submissions (2):

Color Diagnostics, LLC DBA Color Health
Classification: Uncertain significance for Hereditary cancer-predisposing syndrome. Last evaluated: 2024-02-18. Review status: criteria provided, single submitter. Criteria: ACMG Guidelines, 2015. Collection method: clinical testing. Allele origin: germline.
Comment: This missense variant replaces leucine with phenylalanine at codon 2557 of the ATM protein. Computational prediction is inconclusive regarding the impact of this variant on protein structure and function (internally defined REVEL score threshold 0.5 < inconclusive < 0.7, PMID: 27666373). To our knowledge, functional studies have not been reported for this variant. This variant has not been reported in individuals affected with ATM-related disorders in the literature. This variant has not been identified in the general population by the Genome Aggregation Database (gnomAD). The available evidence is insufficient to determine the role of this variant in disease conclusively. Therefore, this variant is classified as a Variant of Uncertain Significance.

Labcorp Genetics (formerly Invitae), Labcorp
Classification: Uncertain significance for Ataxia-telangiectasia syndrome. Last evaluated: 2020-10-05. Review status: criteria provided, single submitter. Criteria: Invitae Variant Classification Sherloc (09022015). Collection method: clinical testing. Allele origin: germline.
Comment: This sequence change replaces leucine with phenylalanine at codon 2557 of the ATM protein (p.Leu2557Phe). The leucine residue is highly conserved and there is a small physicochemical difference between leucine and phenylalanine. This variant is not present in population databases (ExAC no frequency). This variant has not been reported in the literature in individuals with ATM-related conditions. Advanced modeling of protein sequence and biophysical properties (such as structural, functional, and spatial information, amino acid conservation, physicochemical variation, residue mobility, and thermodynamic stability) performed at Invitae indicates that this missense variant is expected to disrupt ATM protein function. In summary, the available evidence is currently insufficient to determine the role of this variant in disease. Therefore, it has been classified as a Variant of Uncertain Significance.

NM_000051.4(ATM):c.7671G>C (p.Leu2557Phe)

Genes: ATM (ATM serine/threonine kinase; plus strand), C11orf65 (chromosome 11 open reading frame 65; minus strand). Cytogenetic location: 11q22.3.
Variant type: single nucleotide variant.
Coding change: c.7671G>C on transcript NM_000051.4 (MANE Select); coding-DNA position 7671, G replaced by C.
Protein change: p.Leu2557Phe; replaces leucine 2557 with phenylalanine.
Molecular consequence: missense variant. On other transcripts: intron variant (2).
Genome position (GRCh38, 1-based): chr11:108,331,920, G>C. VCF-style: chr11-108331920-G-C. GRCh37 (hg19) VCF-style: chr11-108202647-G-C.
Other names: c.7671G>C, p.Leu2557Phe (NM_001351834.2); c.641-22849C>G (NM_001330368.2); c.*38+3300C>G (NM_001351110.2); short protein forms L2557F.
Identifiers: ClinVar variation 1015046 (VCV001015046.9), dbSNP rs2086293337, ClinGen allele CA382560972.
Genomic context (GRCh38, chr11:108,331,920, plus strand): 5'-AATAGTTCTTTTCTTACAGCTAATCTCTAGAATTTCAATGGATCACCCCCATCACACTTT[G>C]TTTATTATACTGGCCTTAGCAAATGCAAACAGAGATGAATTTCTGACTAAACCAGAGGTA-3'
Protein context (NP_000042.3, residues 2547-2567): RISMDHPHHT[Leu2557Phe]FIILALANAN